The following is an entry in ClinVar:

NM_005585.5(SMAD6):c.565G>C (p.Asp189His)

Gene: SMAD6 (SMAD family member 6; plus strand). Cytogenetic location: 15q22.31.
Variant type: single nucleotide variant.
Coding change: c.565G>C on transcript NM_005585.5 (MANE Select); coding-DNA position 565, G replaced by C.
Protein change: p.Asp189His; replaces aspartic acid 189 with histidine.
Molecular consequence: missense variant. On other transcripts: non-coding transcript variant (1).
Genome position (GRCh38, 1-based): chr15:66,703,823, G>C. VCF-style: chr15-66703823-G-C. GRCh37 (hg19) VCF-style: chr15-66996161-G-C.
Other names: short protein forms D189H.
Identifiers: ClinVar variation 1748915 (VCV001748915.2), dbSNP rs1400027424, ClinGen allele CA392949802.

ClinVar aggregate classification (germline): Uncertain significance (1 of 4 stars; one submission).

Conditions:
Inborn genetic diseases. Identifiers: MedGen C0950123, MeSH D030342.

Allele frequency attached by ClinVar (database versions not stated): TOPMed below 0.00001.

Submission:

Ambry Genetics
Classification: Uncertain significance for Inborn genetic diseases. Last evaluated: 2021-06-14. Review status: criteria provided, single submitter. Criteria: Ambry Variant Classification Scheme 2023. Collection method: clinical testing. Allele origin: germline.
Comment: The p.D189H variant (also known as c.565G>C), located in coding exon 1 of the SMAD6 gene, results from a G to C substitution at nucleotide position 565. The aspartic acid at codon 189 is replaced by histidine, an amino acid with similar properties. This amino acid position is conserved. In addition, the in silico prediction for this alteration is inconclusive. Since supporting evidence is limited at this time, the clinical significance of this alteration remains unclear.